The following is an entry in ClinVar:

ClinVar aggregate classification (germline): Uncertain significance (1 of 4 stars; one submission).

Conditions:
Hypertrophic cardiomyopathy 14. Identifiers: MedGen C2750467, MONDO:0013197, OMIM 613251.

Submission:

Labcorp Genetics (formerly Invitae), Labcorp
Classification: Uncertain significance for Hypertrophic cardiomyopathy 14. Last evaluated: 2023-01-18. Review status: criteria provided, single submitter. Criteria: Invitae Variant Classification Sherloc (09022015). Collection method: clinical testing. Allele origin: germline.
Comment: This sequence change replaces glutamic acid, which is acidic and polar, with valine, which is neutral and non-polar, at codon 1503 of the MYH6 protein (p.Glu1503Val). This variant is not present in population databases (gnomAD no frequency). This missense change has been observed in individual(s) with hypoplastic left heart syndrome (PMID: 27789736). Advanced modeling of protein sequence and biophysical properties (such as structural, functional, and spatial information, amino acid conservation, physicochemical variation, residue mobility, and thermodynamic stability) performed at Invitae indicates that this missense variant is expected to disrupt MYH6 protein function. Algorithms developed to predict the effect of sequence changes on RNA splicing suggest that this variant may create or strengthen a splice site. In summary, the available evidence is currently insufficient to determine the role of this variant in disease. Therefore, it has been classified as a Variant of Uncertain Significance.

Literature cited by the submitters: PubMed 27789736.

NM_002471.4(MYH6):c.4508A>T (p.Glu1503Val)

Gene: MYH6 (myosin heavy chain 6; minus strand). Cytogenetic location: 14q11.2.
Variant type: single nucleotide variant.
Coding change: c.4508A>T on transcript NM_002471.4 (MANE Select); coding-DNA position 4508, A replaced by T.
Protein change: p.Glu1503Val; replaces glutamic acid 1503 with valine.
Molecular consequence: missense variant.
Genome position (GRCh38, 1-based): chr14:23,387,775, T>A on the plus strand (A>T on the coding strand, the complement: MYH6 is on the minus strand). VCF-style: chr14-23387775-T-A. GRCh37 (hg19) VCF-style: chr14-23856984-T-A.
Other names: short protein forms E1503V.
Identifiers: ClinVar variation 2736071 (VCV002736071.3), dbSNP rs1891079025, ClinGen allele CA388996997.